The following is an entry in ClinVar:

ClinVar aggregate classification (germline): Conflicting classifications of pathogenicity. Review status: criteria provided, conflicting classifications (1 of 4 stars). 4 submissions from 4 submitters: Uncertain significance (3); Likely benign (1). Last evaluated 2025-11-13.

Conditions:
ASXL1-related disorder. Also called: ASXL1-related condition; ASXL1-related disorders.
Inborn genetic diseases. Identifiers: MedGen C0950123, MeSH D030342.
Bohring-Opitz syndrome. Also called: BOHRING SYNDROME; C-LIKE SYNDROME; ASXL1-Related Bohring-Opitz Syndrome; OPITZ TRIGONOCEPHALY-LIKE SYNDROME. Identifiers: Orphanet 97297, MedGen C0796232, MONDO:0011510, OMIM 605039.

Allele frequency attached by ClinVar (database versions not stated): gnomAD exomes 0.00001; TOPMed 0.00001; gnomAD 0.00002.
gnomAD v4.1: 14 of 1,614,050 alleles (0.00087%); highest among the groups gnomAD compares: African/African-American, 0.0053%; no homozygotes.

Submissions (4):

PreventionGenetics, part of Exact Sciences
Classification: Uncertain significance for ASXL1-related condition. Last evaluated: 2025-11-13. Review status: criteria provided, single submitter. Criteria: ACMG Guidelines, 2015. Collection method: clinical testing. Allele origin: germline.
Comment: The ASXL1 c.1589C>T variant is predicted to result in the amino acid substitution p.Ala530Val. To our knowledge, this variant has not been reported in the literature. This variant is reported in 0.011% of alleles in individuals of African descent in gnomAD and has conflicting interpretations ranging from uncertain significance to likely benign in ClinVar (Variation ID: 1031901). At this time, the clinical significance of this variant is uncertain due to the absence of conclusive functional and genetic evidence.

Ambry Genetics
Classification: Likely benign for Inborn genetic diseases. Last evaluated: 2025-05-22. Review status: criteria provided, single submitter. Criteria: Ambry Variant Classification Scheme 2023. Collection method: clinical testing. Allele origin: germline.

Labcorp Genetics (formerly Invitae), Labcorp
Classification: Uncertain significance. Last evaluated: 2025-05-17. Review status: criteria provided, single submitter. Criteria: Invitae Variant Classification Sherloc (09022015). Collection method: clinical testing. Allele origin: germline.
Comment: This sequence change replaces alanine, which is neutral and non-polar, with valine, which is neutral and non-polar, at codon 530 of the ASXL1 protein (p.Ala530Val). This variant is present in population databases (no rsID available, gnomAD 0.01%). This variant has not been reported in the literature in individuals affected with ASXL1-related conditions. ClinVar contains an entry for this variant (Variation ID: 1031901). An algorithm developed to predict the effect of missense changes on protein structure and function (PolyPhen-2) suggests that this variant is likely to be tolerated. In summary, the available evidence is currently insufficient to determine the role of this variant in disease. Therefore, it has been classified as a Variant of Uncertain Significance.

Baylor Genetics
Classification: Uncertain significance for Bohring-Opitz syndrome. Last evaluated: 2018-04-03. Review status: criteria provided, single submitter. Criteria: ACMG Guidelines, 2015. Collection method: clinical testing. Allele origin: maternal. Affected: yes.
Comment: This variant was determined to be of uncertain significance according to ACMG Guidelines, 2015 [PMID:25741868].

NM_015338.6(ASXL1):c.1589C>T (p.Ala530Val)

Gene: ASXL1 (ASXL transcriptional regulator 1; plus strand). Cytogenetic location: 20q11.21.
Variant type: single nucleotide variant.
Coding change: c.1589C>T on transcript NM_015338.6 (MANE Select); coding-DNA position 1589, C replaced by T.
Protein change: p.Ala530Val; replaces alanine 530 with valine.
Molecular consequence: missense variant.
Genome position (GRCh38, 1-based): chr20:32,433,787, C>T. VCF-style: chr20-32433787-C-T. GRCh37 (hg19) VCF-style: chr20-31021590-C-T.
Other names: c.1406C>T, p.Ala469Val (NM_001363734.1); short protein forms A469V, A530V.
Identifiers: ClinVar variation 1031901 (VCV001031901.6), dbSNP rs988568801, ClinGen allele CA313926210.